The following is an entry in ClinVar:

ClinVar aggregate classification (germline): Uncertain significance (1 of 4 stars; one submission).

Conditions:
Inborn genetic diseases. Identifiers: MedGen C0950123, MeSH D030342.

Submission:

Ambry Genetics
Classification: Uncertain significance for Inborn genetic diseases. Last evaluated: 2019-09-06. Review status: criteria provided, single submitter. Criteria: Ambry Variant Classification Scheme 2023. Collection method: clinical testing. Allele origin: germline.
Comment: The p.A5137V variant (also known as c.15410C>T), located in coding exon 86 of the DST gene, results from a C to T substitution at nucleotide position 15410. The alanine at codon 5137 is replaced by valine, an amino acid with similar properties. This amino acid position is poorly conserved in available vertebrate species. In addition, this alteration is predicted to be tolerated by in silico analysis. Since supporting evidence is limited at this time, the clinical significance of this alteration remains unclear.

NM_001374736.1(DST):c.21767C>T (p.Ala7256Val)

Gene: DST (dystonin; minus strand). Cytogenetic location: 6p12.1.
Variant type: single nucleotide variant.
Coding change: c.21767C>T on transcript NM_001374736.1 (MANE Select); coding-DNA position 21767, C replaced by T.
Protein change: p.Ala7256Val; replaces alanine 7256 with valine.
Molecular consequence: missense variant.
Genome position (GRCh38, 1-based): chr6:56,476,246, G>A on the plus strand (C>T on the coding strand, the complement: DST is on the minus strand). VCF-style: chr6-56476246-G-A. GRCh37 (hg19) VCF-style: chr6-56341044-G-A.
Other names: c.15410C>T, p.Ala5137Val (NM_001144769.5); c.14996C>T, p.Ala4999Val (NM_001144770.2); c.21767C>T, p.Ala7256Val (NM_001374722.1); c.20807C>T, p.Ala6936Val (NM_001374729.1); c.14549C>T, p.Ala4850Val (NM_001374730.1); c.21794C>T, p.Ala7265Val (NM_001374734.1); c.14876C>T, p.Ala4959Val (NM_001386100.1, NM_183380.4); c.13898C>T, p.Ala4633Val (NM_015548.5); short protein forms A4633V, A4850V, A5137V, A7256V, A4959V, A4999V, A7265V, A6936V.
Identifiers: ClinVar variation 1774849 (VCV001774849.2), dbSNP rs2533566128, ClinGen allele CA364510398.
Genomic context (GRCh38, chr6:56,476,246, plus strand): 5'-TCCTGGGGGATGACTTCTTTATCCTTATCAGTAAGTGTAGTTTCAGCCCATTGCAACCAA[G>A]CCAGCAAAGCTTCCAACAATTCCTGTTTGGCAATAAGCCCAGCCAGAGCACTTGCTAATC-3'
Protein context (NP_001361665.1, residues 7246-7266): AKQELLEALL[Ala7256Val]WLQWAETTLT